The following is an entry in ClinVar:

ClinVar aggregate classification (germline): Uncertain significance (1 of 4 stars; one submission).

Conditions:
Dilated cardiomyopathy 1J (CMD1J). Also called: CARDIOMYOPATHY, DILATED, WITH SENSORINEURAL HEARING LOSS, AUTOSOMAL DOMINANT. Identifiers: Orphanet 217622, MedGen C1854368, MONDO:0011541, OMIM 605362.

gnomAD v4.1: 3 of 1,607,886 alleles (0.00019%); highest among the groups gnomAD compares: Non-Finnish European, 0.00026%; no homozygotes.

Submission:

Labcorp Genetics (formerly Invitae), Labcorp
Classification: Uncertain significance for Dilated cardiomyopathy 1J. Last evaluated: 2021-06-12. Review status: criteria provided, single submitter. Criteria: Invitae Variant Classification Sherloc (09022015). Collection method: clinical testing. Allele origin: germline.
Comment: Algorithms developed to predict the effect of missense changes on protein structure and function are either unavailable or do not agree on the potential impact of this missense change (SIFT: "Tolerated"; PolyPhen-2: "Possibly Damaging"; Align-GVGD: "Class C0"). This variant has not been reported in the literature in individuals with EYA4-related conditions. This variant is not present in population databases (ExAC no frequency). This sequence change replaces serine with tyrosine at codon 94 of the EYA4 protein (p.Ser94Tyr). The serine residue is weakly conserved and there is a large physicochemical difference between serine and tyrosine. In summary, the available evidence is currently insufficient to determine the role of this variant in disease. Therefore, it has been classified as a Variant of Uncertain Significance.

NM_004100.5(EYA4):c.281C>A (p.Ser94Tyr)

Genes: EYA4 (EYA transcriptional coactivator and phosphatase 4; plus strand), EYA4-AS2 (EYA4 antisense RNA 2; minus strand). Cytogenetic location: 6q23.2.
Variant type: single nucleotide variant.
Coding change: c.281C>A on transcript NM_004100.5 (MANE Select); coding-DNA position 281, C replaced by A.
Protein change: p.Ser94Tyr; replaces serine 94 with tyrosine.
Molecular consequence: missense variant. On other transcripts: intron variant (2).
Genome position (GRCh38, 1-based): chr6:133,456,559, C>A. VCF-style: chr6-133456559-C-A. GRCh37 (hg19) VCF-style: chr6-133777697-C-A.
Other names: c.281C>A, p.Ser94Tyr (NM_001301013.2, NM_172105.4); c.212C>A, p.Ser71Tyr (NM_001370458.1, NM_172103.4); c.209-4555C>A (NM_001370459.1, NM_001301012.2); short protein forms S71Y, S94Y.
Identifiers: ClinVar variation 1512386 (VCV001512386.8), dbSNP rs2128644139, ClinGen allele CA365694260.